The following is an entry in ClinVar:

NM_181507.2(HPS5):c.896+2T>C

Gene: HPS5 (HPS5 biogenesis of lysosomal organelles complex 2 subunit 2; minus strand). Cytogenetic location: 11p15.1.
Variant type: single nucleotide variant.
Coding change: c.896+2T>C on transcript NM_181507.2 (MANE Select); the canonical splice donor site of the intron after coding-DNA position 896, T replaced by C.
Molecular consequence: splice donor variant. On other transcripts: intron variant (3).
Genome position (GRCh38, 1-based): chr11:18,305,420, A>G on the plus strand (T>C on the coding strand, the complement: HPS5 is on the minus strand). VCF-style: chr11-18305420-A-G. GRCh37 (hg19) VCF-style: chr11-18326967-A-G.
Other names: c.482+715T>C (NM_001440929.1, NM_001440928.1, NM_001440927.1); c.554+2T>C (NM_181508.2, NM_001440921.1, NM_001440926.1 and 7 more transcripts); c.785+2T>C (NM_001440915.1, NM_001440914.1, NM_001440913.1); c.896+2T>C (NM_001440931.1, NM_001440917.1, NM_001440906.1 and 5 more transcripts); c.821+2T>C (NM_001440907.1, NM_001440909.1, NM_001440908.1); c.683+2T>C (NM_001440919.1); c.710+2T>C (NM_001440918.1).
Identifiers: ClinVar variation 1524673 (VCV001524673.8), dbSNP rs2134422951, ClinGen allele CA379501136.

ClinVar aggregate classification (germline): Likely pathogenic (1 of 4 stars; one submission).

Submission:

Labcorp Genetics (formerly Invitae), Labcorp
Classification: Likely pathogenic. Last evaluated: 2022-10-17. Review status: criteria provided, single submitter. Criteria: Invitae Variant Classification Sherloc (09022015). Collection method: clinical testing. Allele origin: germline.
Comment: This sequence change affects a donor splice site in intron 8 of the HPS5 gene. It is expected to disrupt RNA splicing. Variants that disrupt the donor or acceptor splice site typically lead to a loss of protein function (PMID: 16199547), and loss-of-function variants in HPS5 are known to be pathogenic (PMID: 12548288, 15296495, 21833017, 26785811). This variant is not present in population databases (gnomAD no frequency). This variant has not been reported in the literature in individuals affected with HPS5-related conditions. ClinVar contains an entry for this variant (Variation ID: 1524673). Algorithms developed to predict the effect of sequence changes on RNA splicing suggest that this variant may disrupt the consensus splice site. In summary, the currently available evidence indicates that the variant is pathogenic, but additional data are needed to prove that conclusively. Therefore, this variant has been classified as Likely Pathogenic.

Literature cited by the submitters: PubMed 16199547; PubMed 12548288; PubMed 15296495; PubMed 21833017; PubMed 26785811.